The following is an entry in ClinVar:

NM_018233.4(OGFOD1):c.1485A>G (p.Pro495=)

Genes: BBS2 (Bardet-Biedl syndrome 2; minus strand), OGFOD1 (2-oxoglutarate and iron dependent oxygenase domain containing 1; plus strand). Cytogenetic location: 16q13.
Variant type: single nucleotide variant.
Coding change: c.1485A>G on transcript NM_018233.4 (MANE Select); coding-DNA position 1485, A replaced by G.
Protein change: p.Pro495=; no amino-acid change (proline 495 retained).
Molecular consequence: synonymous variant. On other transcripts: intron variant (1).
Genome position (GRCh38, 1-based): chr16:56,476,061, A>G. VCF-style: chr16-56476061-A-G. GRCh37 (hg19) VCF-style: chr16-56509973-A-G.
Other names: c.*1-5447T>C (NM_001377456.1); c.1482A>G, p.Pro494= (NM_001324357.2); c.1320A>G, p.Pro440= (NM_001324358.2, NM_001324361.1); c.1194A>G, p.Pro398= (NM_001324359.1, NM_001324360.2); c.1065A>G, p.Pro355= (NM_001324362.1); c.1371A>G, p.Pro457= (NM_001324363.2).
Identifiers: ClinVar variation 4280782 (VCV004280782.7).

ClinVar aggregate classification (germline): Likely benign (1 of 4 stars; one submission).

gnomAD v4.1: 1,093 of 1,612,374 alleles (0.068%); highest among the groups gnomAD compares: African/African-American, 1.1%; 4 homozygotes.

Submission:

CeGaT Center for Human Genetics Tuebingen
Classification: Likely benign. Last evaluated: 2025-09-01. Review status: criteria provided, single submitter. Criteria: CeGaT Center For Human Genetics Tuebingen Variant Classification Criteria Version 2. Collection method: clinical testing. Allele origin: germline. Affected: yes. Observed: 1 variant allele.
Comment: OGFOD1: BP4, BP7, BS1